The following is an entry in ClinVar:

NM_001346249.2(RALGAPA1):c.-31TGGCAG[5]

Gene: RALGAPA1 (Ral GTPase activating protein catalytic subunit alpha 1; minus strand). Cytogenetic location: 14q13.2.
Variant type: Microsatellite.
Coding change: c.-31TGGCAG[5] on transcript NM_001346249.2 (MANE Select); five copies in a row of the 6-base unit TGGCAG starting at c.-31; the reference has four copies in a row; one copy, 6 bases duplicated.
Molecular consequence: 5 prime UTR variant.
Genome position (GRCh38, 1-based): chr14:35,808,843-35,808,848, CTGCCA duplicated on the plus strand (TGGCAG on the coding strand, the reverse complement: RALGAPA1 is on the minus strand); duplicating any 6 consecutive bases within chr14:35,808,843-35,808,867 gives the same sequence; the position shown is the placement nearest the transcript's 3' end. VCF-style (leftmost placement, unchanged base first): chr14-35808842-G-GCTGCCA. GRCh37 (hg19) VCF-style: chr14-36278048-G-GCTGCCA.
Other names: c.-31TGGCAG[5] (NM_001283043.3, NM_001283044.3, NM_001330075.3 and 7 more transcripts).
Identifiers: ClinVar variation 4982095 (VCV004982095.1).
Genomic context (GRCh38, chr14:35,808,842, plus strand): 5'-TAGCACCTTCTGGGTGGACTTCTTCACGTCCCCGTGCGGCTTCTTGGAGAACATCCTGTC[G>GCTGCCA]CTGCCACTGCCACTGCCACTGCCACAGCCGGCTCCCAGCCGGGTCCCGGCGGCAGAAAGT-3'

ClinVar aggregate classification (germline): Likely benign (1 of 4 stars; one submission).

Conditions:
RALGAPA1-related disorder. Also called: RALGAPA1-related condition.

Submission:

PreventionGenetics, part of Exact Sciences
Classification: Likely benign for RALGAPA1-related condition. Last evaluated: 2024-10-14. Review status: criteria provided, single submitter. Criteria: ACMG Guidelines, 2015. Collection method: clinical testing. Allele origin: germline.
Comment: This variant is classified as likely benign based on ACMG/AMP sequence variant interpretation guidelines (Richards et al. 2015 PMID: 25741868, with internal and published modifications).